The following is an entry in ClinVar:

NM_001288705.3(CSF1R):c.1745T>C (p.Leu582Pro)

Gene: CSF1R (colony stimulating factor 1 receptor; minus strand). Cytogenetic location: 5q32.
Variant type: single nucleotide variant.
Coding change: c.1745T>C on transcript NM_001288705.3 (MANE Select); coding-DNA position 1745, T replaced by C.
Protein change: p.Leu582Pro; replaces leucine 582 with proline.
Molecular consequence: missense variant. On other transcripts: non-coding transcript variant (2).
Genome position (GRCh38, 1-based): chr5:150,061,731, A>G on the plus strand (T>C on the coding strand, the complement: CSF1R is on the minus strand). VCF-style: chr5-150061731-A-G. GRCh37 (hg19) VCF-style: chr5-149441294-A-G.
Other names: c.1745T>C, p.Leu582Pro (NM_001349736.2, NM_001375320.1, NM_005211.4); c.1301T>C, p.Leu434Pro (NM_001375321.1); short protein forms L582P, L434P.
Identifiers: ClinVar variation 162127 (VCV000162127.6), dbSNP rs690016563, ClinGen allele CA346100.
Genomic context (GRCh38, chr5:150,061,731, plus strand): 5'-CCCCCACAGGCCCTGTGATAGGAAGCTGTGGAGTGATGAGCTGCCATCTCACCAAACTGC[A>G]GGTTGTTCCGGGGGAACTCCCACTTCTCGTTGTAAGGCAGCTGCGTGGGGTCGATGAAAG-3'
Protein context (NP_001275634.1, residues 572-592): NEKWEFPRNN[Leu582Pro]QFGKTLGAGA

ClinVar aggregate classification (germline): Uncertain significance. Review status: criteria provided, single submitter (1 of 4 stars). 2 submissions from 2 submitters: Uncertain significance (1). 1 of the submissions does not count toward it. Last evaluated 2024-07-31.

Conditions:
Hereditary diffuse leukoencephalopathy with spheroids. Also called: LEUKOENCEPHALOPATHY, ADULT-ONSET, WITH AXONAL SPHEROIDS AND PIGMENTED GLIA. Identifiers: Orphanet 313808, MedGen C3711381, MONDO:0030796.

Submissions (2):

Labcorp Genetics (formerly Invitae), Labcorp
Classification: Uncertain significance. Last evaluated: 2024-07-31. Review status: criteria provided, single submitter. Criteria: Invitae Variant Classification Sherloc (09022015). Collection method: clinical testing. Allele origin: germline.
Comment: This sequence change replaces leucine, which is neutral and non-polar, with proline, which is neutral and non-polar, at codon 582 of the CSF1R protein (p.Leu582Pro). This variant is not present in population databases (gnomAD no frequency). This missense change has been observed in individuals with clinical features of autosomal dominant CSF1R-related conditions (PMID: 24706185; Invitae). ClinVar contains an entry for this variant (Variation ID: 162127). Advanced modeling of protein sequence and biophysical properties (such as structural, functional, and spatial information, amino acid conservation, physicochemical variation, residue mobility, and thermodynamic stability) has been performed at Invitae for this missense variant, however the output from this modeling did not meet the statistical confidence thresholds required to predict the impact of this variant on CSF1R protein function. In summary, the available evidence is currently insufficient to determine the role of this variant in disease. Therefore, it has been classified as a Variant of Uncertain Significance.

GeneReviews
No classification provided. Condition: Hereditary diffuse leukoencephalopathy with spheroids. Review status: no classification provided. Collection method: literature only. Allele origin: germline. Affected: yes. Not counted in ClinVar's aggregate classification.

Literature cited by the submitters: PubMed 24706185 (cited by Labcorp Genetics (formerly Invitae), Labcorp); PubMed 2470618 (cited by GeneReviews); NCBI Bookshelf NBK100239 (cited by GeneReviews).